The following is an entry in ClinVar:

NM_004984.4(KIF5A):c.485G>A (p.Arg162Gln)

Gene: KIF5A (kinesin family member 5A; plus strand). Cytogenetic location: 12q13.3.
Variant type: single nucleotide variant.
Coding change: c.485G>A on transcript NM_004984.4 (MANE Select); coding-DNA position 485, G replaced by A.
Protein change: p.Arg162Gln; replaces arginine 162 with glutamine.
Molecular consequence: missense variant.
Genome position (GRCh38, 1-based): chr12:57,564,957, G>A. VCF-style: chr12-57564957-G-A. GRCh37 (hg19) VCF-style: chr12-57958740-G-A.
Other names: c.218G>A, p.Arg73Gln (NM_001354705.2); short protein forms R162Q, R73Q.
Identifiers: ClinVar variation 2729923 (VCV002729923.3), dbSNP rs770143931, ClinGen allele CA6652602.

ClinVar aggregate classification (germline): Uncertain significance (1 of 4 stars; one submission).

Conditions:
Spastic paraplegia. Identifiers: MedGen C0037772, HP:0001258.

Allele frequency attached by ClinVar (database versions not stated): gnomAD exomes below 0.00001; ExAC 0.00001.
gnomAD v4.1: 1 of 1,614,146 alleles (0.000062%); highest among the groups gnomAD compares: Non-Finnish European, 0.000085%; no homozygotes.

Submission:

Labcorp Genetics (formerly Invitae), Labcorp
Classification: Uncertain significance for Spastic paraplegia. Last evaluated: 2023-06-27. Review status: criteria provided, single submitter. Criteria: Invitae Variant Classification Sherloc (09022015). Collection method: clinical testing. Allele origin: germline.
Comment: This variant is present in population databases (rs770143931, gnomAD 0.0009%). This variant has not been reported in the literature in individuals affected with KIF5A-related conditions. This sequence change replaces arginine, which is basic and polar, with glutamine, which is neutral and polar, at codon 162 of the KIF5A protein (p.Arg162Gln). This variant disrupts the p.Arg162 amino acid residue in KIF5A. Other variant(s) that disrupt this residue have been determined to be pathogenic (PMID: 25352184, 27084214, 30778698). This suggests that this residue is clinically significant, and that variants that disrupt this residue are likely to be disease-causing. In summary, the available evidence is currently insufficient to determine the role of this variant in disease. Therefore, it has been classified as a Variant of Uncertain Significance. Advanced modeling of protein sequence and biophysical properties (such as structural, functional, and spatial information, amino acid conservation, physicochemical variation, residue mobility, and thermodynamic stability) has been performed at Invitae for this missense variant, however the output from this modeling did not meet the statistical confidence thresholds required to predict the impact of this variant on KIF5A protein function.

Literature cited by the submitters: PubMed 25352184; PubMed 27084214; PubMed 30778698.